The following is an entry in ClinVar:

NM_198859.4(PRICKLE2):c.1090C>T (p.Arg364Trp)

Gene: PRICKLE2 (prickle planar cell polarity protein 2; minus strand). Cytogenetic location: 3p14.1.
Variant type: single nucleotide variant.
Coding change: c.1090C>T on transcript NM_198859.4 (MANE Select); coding-DNA position 1090, C replaced by T.
Protein change: p.Arg364Trp; replaces arginine 364 with tryptophan.
Molecular consequence: missense variant.
Genome position (GRCh38, 1-based): chr3:64,147,400, G>A on the plus strand (C>T on the coding strand, the complement: PRICKLE2 is on the minus strand). VCF-style: chr3-64147400-G-A. GRCh37 (hg19) VCF-style: chr3-64133076-G-A.
Other names: c.1090C>T, p.Arg364Trp (NM_001370528.1); c.1090C>T (NM_198859.3); short protein forms R364W.
Identifiers: ClinVar variation 2165959 (VCV002165959.6), dbSNP rs755313340, ClinGen allele CA2479691.

ClinVar aggregate classification (germline): Uncertain significance. Review status: criteria provided, multiple submitters, no conflicts (2 of 4 stars). 3 submissions from 3 submitters: Uncertain significance (3). Last evaluated 2025-05-14.

Conditions:
Progressive myoclonic epilepsy type 5. Identifiers: Orphanet 402082, MedGen C5190799.
PRICKLE2-related disorder. Also called: PRICKLE2-related condition.

Allele frequency attached by ClinVar (database versions not stated): TOPMed 0.00002; gnomAD 0.00003; ExAC 0.00001; gnomAD exomes 0.00001.
gnomAD v4.1: 19 of 1,614,120 alleles (0.0012%); highest among the groups gnomAD compares: African/African-American, 0.0053%; no homozygotes.

Submissions (3):

Ambry Genetics
Classification: Uncertain significance. Last evaluated: 2025-05-14. Review status: criteria provided, single submitter. Criteria: Ambry Variant Classification Scheme 2023. Collection method: clinical testing. Allele origin: germline.

PreventionGenetics, part of Exact Sciences
Classification: Uncertain significance for PRICKLE2-related condition. Last evaluated: 2025-03-27. Review status: criteria provided, single submitter. Criteria: ACMG Guidelines, 2015. Collection method: clinical testing. Allele origin: germline.
Comment: The PRICKLE2 c.1090C>T variant is predicted to result in the amino acid substitution p.Arg364Trp. To our knowledge, this variant has not been reported in the literature. This variant is reported in 0.0050% of alleles in individuals of East Asian descent in gnomAD. At this time, the clinical significance of this variant is uncertain due to the absence of conclusive functional and genetic evidence.

Labcorp Genetics (formerly Invitae), Labcorp
Classification: Uncertain significance for Progressive myoclonic epilepsy type 5. Last evaluated: 2023-11-28. Review status: criteria provided, single submitter. Criteria: Invitae Variant Classification Sherloc (09022015). Collection method: clinical testing. Allele origin: germline.
Comment: This sequence change replaces arginine, which is basic and polar, with tryptophan, which is neutral and slightly polar, at codon 364 of the PRICKLE2 protein (p.Arg364Trp). This variant is present in population databases (rs755313340, gnomAD 0.005%). This variant has not been reported in the literature in individuals affected with PRICKLE2-related conditions. ClinVar contains an entry for this variant (Variation ID: 2165959). An algorithm developed to predict the effect of missense changes on protein structure and function (PolyPhen-2) suggests that this variant is likely to be disruptive. In summary, the available evidence is currently insufficient to determine the role of this variant in disease. Therefore, it has been classified as a Variant of Uncertain Significance.